The following is an entry in ClinVar:

ClinVar aggregate classification (germline): Uncertain significance (1 of 4 stars; one submission).

Conditions:
Inborn genetic diseases. Identifiers: MedGen C0950123, MeSH D030342.

gnomAD v4.1: 6 of 1,613,226 alleles (0.00037%); highest among the groups gnomAD compares: Non-Finnish European, 0.00051%; no homozygotes.

Submission:

Ambry Genetics
Classification: Uncertain significance for Inborn genetic diseases. Last evaluated: 2017-05-23. Review status: criteria provided, single submitter. Criteria: Ambry Variant Classification Scheme 2023. Collection method: clinical testing. Allele origin: germline.
Comment: The p.D1303E variant (also known as c.3909C>G), located in coding exon 12 of the GRIN2A gene, results from a C to G substitution at nucleotide position 3909. The aspartic acid at codon 1303 is replaced by glutamic acid, an amino acid with highly similar properties. This amino acid position is highly conserved in available vertebrate species. In addition, this alteration is predicted to be tolerated by in silico analysis. Since supporting evidence is limited at this time, the clinical significance of this alteration remains unclear.

NM_001134407.3(GRIN2A):c.3909C>G (p.Asp1303Glu)

Gene: GRIN2A (glutamate ionotropic receptor NMDA type subunit 2A; minus strand). Cytogenetic location: 16p13.2.
Variant type: single nucleotide variant.
Coding change: c.3909C>G on transcript NM_001134407.3 (MANE Select); coding-DNA position 3909, C replaced by G.
Protein change: p.Asp1303Glu; replaces aspartic acid 1303 with glutamic acid.
Molecular consequence: missense variant. On other transcripts: intron variant (1).
Genome position (GRCh38, 1-based): chr16:9,763,635, G>C on the plus strand (C>G on the coding strand, the complement: GRIN2A is on the minus strand). VCF-style: chr16-9763635-G-C. GRCh37 (hg19) VCF-style: chr16-9857492-G-C.
Other names: c.3909C>G, p.Asp1303Glu (NM_000833.5); c.3772+137C>G (NM_001134408.2); short protein forms D1303E.
Identifiers: ClinVar variation 590137 (VCV000590137.5), dbSNP rs765744766, ClinGen allele CA7896239.